The following is an entry in ClinVar:

ClinVar aggregate classification (germline): Uncertain significance. Review status: criteria provided, multiple submitters, no conflicts (2 of 4 stars). 2 submissions from 2 submitters: Uncertain significance (2). Last evaluated 2025-06-03.

Conditions:
Inborn genetic diseases. Identifiers: MedGen C0950123, MeSH D030342.

Allele frequency attached by ClinVar (database versions not stated): gnomAD exomes 0.00001; gnomAD 0.00001.
gnomAD v4.1: 21 of 1,547,426 alleles (0.0014%); highest among the groups gnomAD compares: East Asian, 0.0024%; no homozygotes.

Submissions (2):

Ambry Genetics
Classification: Uncertain significance for Inborn genetic diseases. Last evaluated: 2025-06-03. Review status: criteria provided, single submitter. Criteria: Ambry Variant Classification Scheme 2023. Collection method: clinical testing. Allele origin: germline.

Labcorp Genetics (formerly Invitae), Labcorp
Classification: Uncertain significance. Last evaluated: 2022-08-16. Review status: criteria provided, single submitter. Criteria: Invitae Variant Classification Sherloc (09022015). Collection method: clinical testing. Allele origin: germline.
Comment: This sequence change replaces arginine, which is basic and polar, with tryptophan, which is neutral and slightly polar, at codon 379 of the TSEN54 protein (p.Arg379Trp). The frequency data for this variant in the population databases is considered unreliable, as metrics indicate poor data quality at this position in the gnomAD database. This variant has not been reported in the literature in individuals affected with TSEN54-related conditions. ClinVar contains an entry for this variant (Variation ID: 1383629). Algorithms developed to predict the effect of missense changes on protein structure and function are either unavailable or do not agree on the potential impact of this missense change (SIFT: "Deleterious"; PolyPhen-2: "Benign"; Align-GVGD: "Class C0"). Algorithms developed to predict the effect of sequence changes on RNA splicing suggest that this variant may create or strengthen a splice site. In summary, the available evidence is currently insufficient to determine the role of this variant in disease. Therefore, it has been classified as a Variant of Uncertain Significance.

NM_207346.3(TSEN54):c.1135C>T (p.Arg379Trp)

Gene: TSEN54 (tRNA splicing endonuclease subunit 54; plus strand). Cytogenetic location: 17q25.1.
Variant type: single nucleotide variant.
Coding change: c.1135C>T on transcript NM_207346.3 (MANE Select); coding-DNA position 1135, C replaced by T.
Protein change: p.Arg379Trp; replaces arginine 379 with tryptophan.
Molecular consequence: missense variant.
Genome position (GRCh38, 1-based): chr17:75,522,216, C>T. VCF-style: chr17-75522216-C-T. GRCh37 (hg19) VCF-style: chr17-73518297-C-T.
Other names: c.1135C>T (NM_207346.2); short protein forms R379W.
Identifiers: ClinVar variation 1383629 (VCV001383629.6), dbSNP rs761392770, ClinGen allele CA8764359.